The following is an entry in ClinVar:

ClinVar aggregate classification (germline): Uncertain significance (1 of 4 stars; one submission).

Conditions:
Familial thoracic aortic aneurysm and aortic dissection (TAAD). Also called: Thoracic aortic aneurysms and dissections. Identifiers: Orphanet 91387, MedGen C4707243, MONDO:0019625.

Submission:

All of Us Research Program, National Institutes of Health
Classification: Uncertain significance for Familial thoracic aortic aneurysm and aortic dissection. Last evaluated: 2023-10-02. Review status: criteria provided, single submitter. Criteria: ACMG Guidelines, 2015. Collection method: clinical testing. Allele origin: germline. Inheritance: Autosomal dominant inheritance. Observed: 1 variant allele, 1 heterozygote.
Comment: This missense variant replaces isoleucine with methionine at codon 1085 of the MYH11 protein. Computational prediction suggests that this variant may not impact protein structure and function (internally defined REVEL score threshold <= 0.5, PMID: 27666373). To our knowledge, functional studies have not been reported for this variant. This variant has not been reported in individuals affected with MYH11-related disorders in the literature. This variant has not been identified in the general population by the Genome Aggregation Database (gnomAD). The available evidence is insufficient to determine the role of this variant in disease conclusively. Therefore, this variant is classified as a Variant of Uncertain Significance.

This study involves interpretation of variants in research participants for the purpose of population health screening. Participant phenotype was not available at the time of variant classification. Additional details can be found in publication PMID: 35346344, PMCID: PMC8962531

NM_002474.3(MYH11):c.3234C>G (p.Ile1078Met)

Gene: MYH11 (myosin heavy chain 11; minus strand). Cytogenetic location: 16p13.11.
Variant type: single nucleotide variant.
Coding change: c.3234C>G on transcript NM_002474.3 (MANE Select); coding-DNA position 3234, C replaced by G.
Protein change: p.Ile1078Met; replaces isoleucine 1078 with methionine.
Molecular consequence: missense variant.
Genome position (GRCh38, 1-based): chr16:15,737,508, G>C on the plus strand (C>G on the coding strand, the complement: MYH11 is on the minus strand). VCF-style: chr16-15737508-G-C. GRCh37 (hg19) VCF-style: chr16-15831365-G-C.
Other names: c.3234C>G, p.Ile1078Met (NM_022844.3); c.3255C>G, p.Ile1085Met (NM_001040113.2, NM_001040114.2); short protein forms I1078M, I1085M.
Identifiers: ClinVar variation 3073587 (VCV003073587.1), dbSNP rs1232373874, ClinGen allele CA394862963.